The following is an entry in ClinVar:

ClinVar aggregate classification (germline): Uncertain significance (1 of 4 stars; one submission).

Submission:

Labcorp Genetics (formerly Invitae), Labcorp
Classification: Uncertain significance. Last evaluated: 2022-11-01. Review status: criteria provided, single submitter. Criteria: Invitae Variant Classification Sherloc (09022015). Collection method: clinical testing. Allele origin: germline.
Comment: This variant has not been reported in the literature in individuals affected with ERCC6-related conditions. In summary, the available evidence is currently insufficient to determine the role of this variant in disease. Therefore, it has been classified as a Variant of Uncertain Significance. Advanced modeling of protein sequence and biophysical properties (such as structural, functional, and spatial information, amino acid conservation, physicochemical variation, residue mobility, and thermodynamic stability) performed at Invitae indicates that this missense variant is not expected to disrupt ERCC6 protein function. This variant is not present in population databases (gnomAD no frequency). This sequence change replaces serine, which is neutral and polar, with cysteine, which is neutral and slightly polar, at codon 396 of the ERCC6 protein (p.Ser396Cys).

NM_000124.4(ERCC6):c.1187C>G (p.Ser396Cys)

Genes: ERCC6 (ERCC excision repair 6, chromatin remodeling factor; minus strand), PGBD3 (piggyBac transposable element derived 3; minus strand). Cytogenetic location: 10q11.23.
Variant type: single nucleotide variant.
Coding change: c.1187C>G on transcript NM_000124.4 (MANE Select); coding-DNA position 1187, C replaced by G.
Protein change: p.Ser396Cys; replaces serine 396 with cysteine.
Molecular consequence: missense variant. On other transcripts: 5 prime UTR variant (1).
Genome position (GRCh38, 1-based): chr10:49,524,243, G>C on the plus strand (C>G on the coding strand, the complement: ERCC6 is on the minus strand). VCF-style: chr10-49524243-G-C. GRCh37 (hg19) VCF-style: chr10-50732289-G-C.
Other names: c.1187C>G, p.Ser396Cys (NM_001277058.2, NM_001277059.2, NM_001346440.2); c.-218C>G (NM_170753.3); short protein forms S396C.
Identifiers: ClinVar variation 2000019 (VCV002000019.4), dbSNP rs2496138862, ClinGen allele CA376752547.